The following is an entry in ClinVar:

NM_005220.3(DLX3):c.109del (p.Val37fs)

Gene: DLX3 (distal-less homeobox 3; minus strand). Cytogenetic location: 17q21.33.
Variant type: Deletion.
Coding change: c.109del on transcript NM_005220.3 (MANE Select); coding-DNA position 109, one base deleted (G; older notation c.109delG).
Protein change: p.Val37fs; shifts the reading frame from valine 37.
Molecular consequence: frameshift variant.
Genome position (GRCh38, 1-based): chr17:49,994,890, C deleted on the plus strand (G on the coding strand, the reverse complement: DLX3 is on the minus strand). VCF-style (leftmost placement, unchanged base first): chr17-49994889-AC-A. GRCh37 (hg19) VCF-style: chr17-48072253-AC-A.
Other names: short protein forms V37fs.
Identifiers: ClinVar variation 4854318 (VCV004854318.1).

ClinVar aggregate classification (germline): Likely pathogenic (1 of 4 stars; one submission).

Conditions:
Tricho-dento-osseous syndrome (TDO). Also called: TDO SYNDROME. Identifiers: Orphanet 3352, MedGen C0265333, MONDO:0008592, OMIM 190320.

Submission:

3billion
Classification: Likely pathogenic for Tricho-dento-osseous syndrome. Last evaluated: 2025-07-09. Review status: criteria provided, single submitter. Criteria: ACMG Guidelines, 2015. Collection method: clinical testing. Allele origin: germline. Affected: yes.
Comment: The variant is not observed in the gnomAD v4.1.0 dataset. Predicted Consequence/Location: Frameshift: predicted to result in a loss or disruption of normal protein function through nonsense-mediated decay (NMD) or protein truncation. Multiple pathogenic variants are reported downstream of the variant. Therefore, this variant is classified as Likely pathogenic according to the recommendation of ACMG/AMP guideline.